The following is an entry in ClinVar:

ClinVar aggregate classification (germline): Uncertain significance. Review status: criteria provided, multiple submitters, no conflicts (2 of 4 stars). 3 submissions from 3 submitters: Uncertain significance (3). Last evaluated 2024-08-27.

Conditions:
Hyperphosphatasia with intellectual disability syndrome 5 (GPIBD11). Also called: GLYCOSYLPHOSPHATIDYLINOSITOL BIOSYNTHESIS DEFECT 11. Identifiers: Orphanet 247262, MedGen C4014958, MONDO:0014457, OMIM 616025.
Inborn genetic diseases. Identifiers: MedGen C0950123, MeSH D030342.

Allele frequency attached by ClinVar (database versions not stated): TOPMed below 0.00001; gnomAD exomes 0.00001 and 0.00003; ExAC 0.00002.
gnomAD v4.1: 21 of 1,614,096 alleles (0.0013%); highest among the groups gnomAD compares: Admixed American, 0.005%; no homozygotes.

Submissions (3):

Labcorp Genetics (formerly Invitae), Labcorp
Classification: Uncertain significance for Hyperphosphatasia with intellectual disability syndrome 5. Last evaluated: 2024-08-27. Review status: criteria provided, single submitter. Criteria: Invitae Variant Classification Sherloc (09022015). Collection method: clinical testing. Allele origin: germline.
Comment: This sequence change replaces arginine, which is basic and polar, with glutamine, which is neutral and polar, at codon 216 of the PIGW protein (p.Arg216Gln). This variant is present in population databases (rs764219730, gnomAD 0.006%). This variant has not been reported in the literature in individuals affected with PIGW-related conditions. ClinVar contains an entry for this variant (Variation ID: 1303678). Invitae Evidence Modeling of protein sequence and biophysical properties (such as structural, functional, and spatial information, amino acid conservation, physicochemical variation, residue mobility, and thermodynamic stability) indicates that this missense variant is expected to disrupt PIGW protein function with a positive predictive value of 80%. In summary, the available evidence is currently insufficient to determine the role of this variant in disease. Therefore, it has been classified as a Variant of Uncertain Significance.

Ambry Genetics
Classification: Uncertain significance for Inborn genetic diseases. Last evaluated: 2021-08-16. Review status: criteria provided, single submitter. Criteria: Ambry Variant Classification Scheme 2023. Collection method: clinical testing. Allele origin: germline.

GeneDx
Classification: Uncertain significance. Last evaluated: 2020-02-11. Review status: criteria provided, single submitter. Criteria: GeneDx Variant Classification Process June 2021. Collection method: clinical testing. Allele origin: germline. Affected: yes.
Comment: In silico analysis supports that this missense variant has a deleterious effect on protein structure/function; Has not been previously published as pathogenic or benign to our knowledge

NM_001346754.2(PIGW):c.647G>A (p.Arg216Gln)

Genes: MYO19 (myosin XIX; minus strand), PIGW (phosphatidylinositol glycan anchor biosynthesis class W; plus strand). Cytogenetic location: 17q12.
Variant type: single nucleotide variant.
Coding change: c.647G>A on transcript NM_001346754.2 (MANE Select); coding-DNA position 647, G replaced by A.
Protein change: p.Arg216Gln; replaces arginine 216 with glutamine.
Molecular consequence: missense variant.
Genome position (GRCh38, 1-based): chr17:36,537,748, G>A. VCF-style: chr17-36537748-G-A. GRCh37 (hg19) VCF-style: chr17-34893597-G-A.
Other names: c.647G>A, p.Arg216Gln (NM_001346755.2, NM_178517.5); short protein forms R216Q.
Identifiers: ClinVar variation 1303678 (VCV001303678.9), dbSNP rs764219730, ClinGen allele CA290116167.